The following is an entry in ClinVar:

ClinVar aggregate classification (germline): Pathogenic (1 of 4 stars; one submission).

Conditions:
Glycogen storage disease IXa1. Also called: LIVER GLYCOGENOSIS, X-LINKED, TYPE I; GLYCOGEN STORAGE DISEASE VIII; GSD VIII; Glycogen storage disease 8. Identifiers: Orphanet 264580, MedGen C3694531, MONDO:0010598, OMIM 306000.

Submission:

Baylor Genetics
Classification: Pathogenic for Glycogen storage disease IXa1. Last evaluated: 2020-10-15. Review status: criteria provided, single submitter. Criteria: ACMG Guidelines, 2015. Collection method: clinical testing. Allele origin: de novo. Affected: yes.
Comment: This variant was determined to be pathogenic according to ACMG Guidelines, 2015 [PMID:25741868].

NM_000292.3(PHKA2):c.3529C>T (p.Gln1177Ter)

Genes: PHKA2 (phosphorylase kinase regulatory subunit alpha 2; minus strand), PHKA2-AS1 (PHKA2 antisense RNA 1; plus strand). Cytogenetic location: Xp22.13.
Variant type: single nucleotide variant.
Coding change: c.3529C>T on transcript NM_000292.3 (MANE Select); coding-DNA position 3529, C replaced by T.
Protein change: p.Gln1177Ter; replaces glutamine 1177 with a stop codon.
Molecular consequence: nonsense. On other transcripts: non-coding transcript variant (1).
Genome position (GRCh38, 1-based): chrX:18,894,212, G>A on the plus strand (C>T on the coding strand, the complement: PHKA2 is on the minus strand). VCF-style: chrX-18894212-G-A. GRCh37 (hg19) VCF-style: chrX-18912330-G-A.
Other names: short protein forms Q1177*.
Identifiers: ClinVar variation 1028673 (VCV001028673.1), dbSNP rs2047487518, ClinGen allele CA412374963.